The following is an entry in ClinVar:

NM_000038.6(APC):c.7988A>G (p.Asp2663Gly)

Gene: APC (APC regulator of Wnt signaling pathway; plus strand). Cytogenetic location: 5q22.2.
Variant type: single nucleotide variant.
Coding change: c.7988A>G on transcript NM_000038.6 (MANE Select); coding-DNA position 7988, A replaced by G.
Protein change: p.Asp2663Gly; replaces aspartic acid 2663 with glycine.
Molecular consequence: missense variant.
Genome position (GRCh38, 1-based): chr5:112,843,582, A>G. VCF-style: chr5-112843582-A-G. GRCh37 (hg19) VCF-style: chr5-112179279-A-G.
Other names: c.7988A>G, p.Asp2663Gly (NM_001127510.3, NM_001354895.2); c.7934A>G, p.Asp2645Gly (NM_001127511.3); c.8042A>G, p.Asp2681Gly (NM_001354896.2); c.8018A>G, p.Asp2673Gly (NM_001354897.2); c.7913A>G, p.Asp2638Gly (NM_001354898.2); c.7904A>G, p.Asp2635Gly (NM_001354899.2); c.7865A>G, p.Asp2622Gly (NM_001354900.2); c.7811A>G, p.Asp2604Gly (NM_001354901.2); and 5 more; short protein forms D2645G, D2663G, D2604G, D2380G, D2635G, D2562G, D2572G, D2638G.
Identifiers: ClinVar variation 411376 (VCV000411376.55), dbSNP rs1060503277, ClinGen allele CA16038681.

ClinVar aggregate classification (germline): Uncertain significance. Review status: criteria provided, multiple submitters, no conflicts (2 of 4 stars). 4 submissions from 4 submitters: Uncertain significance (4). Last evaluated 2024-03-06.

Conditions:
Familial adenomatous polyposis 1 (FAP1). Also called: FAMILIAL ADENOMATOUS POLYPOSIS 1, ATTENUATED; POLYPOSIS, ADENOMATOUS INTESTINAL. Identifiers: MedGen C2713442, MONDO:0021056, OMIM 175100. Disease mechanism: loss of function.
Hereditary cancer-predisposing syndrome. Also called: Tumor predisposition; Hereditary Cancer Syndrome; Hereditary neoplastic syndrome; Neoplastic Syndromes, Hereditary. Identifiers: Orphanet 140162, MedGen C0027672, MeSH D009386, MONDO:0015356.
Classic or attenuated familial adenomatous polyposis. Identifiers: MedGen CN372698, MONDO:0021057.

Allele frequency attached by ClinVar (database versions not stated): gnomAD exomes below 0.00001; TOPMed below 0.00001.
gnomAD v4.1: 1 of 1,614,046 alleles (0.000062%); highest among the groups gnomAD compares: Non-Finnish European, 0.000085%; no homozygotes.

Submissions (4):

Color Diagnostics, LLC DBA Color Health
Classification: Uncertain significance for Hereditary cancer-predisposing syndrome. Last evaluated: 2024-03-06. Review status: criteria provided, single submitter. Criteria: ACMG Guidelines, 2015. Collection method: clinical testing. Allele origin: germline.
Comment: This missense variant replaces aspartic acid with glycine at codon 2663 of the APC protein. Computational prediction is inconclusive regarding the impact of this variant on protein structure and function (internally defined REVEL score threshold 0.5 < inconclusive < 0.7, PMID: 27666373). To our knowledge, functional studies have not been reported for this variant. This variant has not been reported in individuals affected with APC-related disorders in the literature. This variant has not been identified in the general population by the Genome Aggregation Database (gnomAD). The available evidence is insufficient to determine the role of this variant in disease conclusively. Therefore, this variant is classified as a Variant of Uncertain Significance.

Labcorp Genetics (formerly Invitae), Labcorp
Classification: Uncertain significance for Familial adenomatous polyposis 1. Last evaluated: 2023-11-21. Review status: criteria provided, single submitter. Criteria: Invitae Variant Classification Sherloc (09022015). Collection method: clinical testing. Allele origin: germline.
Comment: This sequence change replaces aspartic acid, which is acidic and polar, with glycine, which is neutral and non-polar, at codon 2663 of the APC protein (p.Asp2663Gly). This variant is not present in population databases (gnomAD no frequency). This variant has not been reported in the literature in individuals affected with APC-related conditions. ClinVar contains an entry for this variant (Variation ID: 411376). Advanced modeling of protein sequence and biophysical properties (such as structural, functional, and spatial information, amino acid conservation, physicochemical variation, residue mobility, and thermodynamic stability) performed at Invitae indicates that this missense variant is not expected to disrupt APC protein function with a negative predictive value of 95%. In summary, the available evidence is currently insufficient to determine the role of this variant in disease. Therefore, it has been classified as a Variant of Uncertain Significance.

Ambry Genetics
Classification: Uncertain significance for Hereditary cancer-predisposing syndrome. Last evaluated: 2023-08-24. Review status: criteria provided, single submitter. Criteria: Ambry Variant Classification Scheme 2023. Collection method: clinical testing. Allele origin: germline.
Comment: The p.D2663G variant (also known as c.7988A>G), located in coding exon 15 of the APC gene, results from an A to G substitution at nucleotide position 7988. The aspartic acid at codon 2663 is replaced by glycine, an amino acid with similar properties. This amino acid position is highly conserved in available vertebrate species. In addition, in silico predictors for this gene do not accurately predict pathogenicity. Since supporting evidence is limited at this time, the clinical significance of this alteration remains unclear.

All of Us Research Program, National Institutes of Health
Classification: Uncertain significance for Classic or attenuated familial adenomatous polyposis. Last evaluated: 2023-05-04. Review status: criteria provided, single submitter. Criteria: ACMG Guidelines, 2015. Collection method: clinical testing. Allele origin: germline. Inheritance: Autosomal dominant inheritance. Observed: 1 variant allele, 1 heterozygote.
Comment: This missense variant replaces aspartic acid with glycine at codon 2663 of the APC protein. Computational prediction is inconclusive regarding the impact of this variant on protein structure and function (internally defined REVEL score threshold 0.5 < inconclusive < 0.7, PMID: 27666373). To our knowledge, functional studies have not been reported for this variant. This variant has not been reported in individuals affected with APC-related disorders in the literature. This variant has not been identified in the general population by the Genome Aggregation Database (gnomAD). The available evidence is insufficient to determine the role of this variant in disease conclusively. Therefore, this variant is classified as a Variant of Uncertain Significance.

This study involves interpretation of variants in research participants for the purpose of population health screening. Participant phenotype was not available at the time of variant classification. Additional details can be found in publication PMID: 35346344, PMCID: PMC8962531